The following is an entry in ClinVar:

NM_001385641.1(SAMD11):c.1948G>A (p.Gly650Ser)

Gene: SAMD11 (sterile alpha motif domain containing 11; plus strand). Cytogenetic location: 1p36.33.
Variant type: single nucleotide variant.
Coding change: c.1948G>A on transcript NM_001385641.1 (MANE Select); coding-DNA position 1948, G replaced by A.
Protein change: p.Gly650Ser; replaces glycine 650 with serine.
Molecular consequence: missense variant.
Genome position (GRCh38, 1-based): chr1:942,953, G>A. VCF-style: chr1-942953-G-A. GRCh37 (hg19) VCF-style: chr1-878333-G-A.
Other names: c.1951G>A, p.Gly651Ser (NM_001385640.1); c.1459G>A, p.Gly487Ser (NM_152486.4); short protein forms G651S, G487S, G650S.
Identifiers: ClinVar variation 1412174 (VCV001412174.5), dbSNP rs763680937, ClinGen allele CA503035.
Genomic context (GRCh38, chr1:942,953, plus strand): 5'-AAAGACTCGGACGGAGAGGACCCCGAGACGGCAGCTGTTGGGTGCAGGGGGCCCACTCCG[G>A]GCCAAGCTCCAGCTGGAGGGGCCGGCGCCGAGGGGAAGGGGCTTTTCCCAGGGTCCACAC-3'
Protein context (NP_001372570.1, residues 640-660): AAVGCRGPTP[Gly650Ser]QAPAGGAGAE

ClinVar aggregate classification (germline): Conflicting classifications of pathogenicity. Review status: criteria provided, conflicting classifications (1 of 4 stars). 2 submissions from 2 submitters: Uncertain significance (1); Likely benign (1). Last evaluated 2024-03-04.

Allele frequency attached by ClinVar (database versions not stated): gnomAD 0.00002; TOPMed 0.00006; gnomAD exomes 0.00011; ExAC 0.00014.
gnomAD v4.1: 33 of 1,547,164 alleles (0.0021%); highest among the groups gnomAD compares: East Asian, 0.072%; no homozygotes.

Submissions (2):

Labcorp Genetics (formerly Invitae), Labcorp
Classification: Uncertain significance. Last evaluated: 2024-03-04. Review status: criteria provided, single submitter. Criteria: Invitae Variant Classification Sherloc (09022015). Collection method: clinical testing. Allele origin: germline.
Comment: This sequence change replaces glycine, which is neutral and non-polar, with serine, which is neutral and polar, at codon 487 of the SAMD11 protein (p.Gly487Ser). This variant is present in population databases (rs763680937, gnomAD 0.1%). This variant has not been reported in the literature in individuals affected with SAMD11-related conditions. ClinVar contains an entry for this variant (Variation ID: 1412174). Algorithms developed to predict the effect of missense changes on protein structure and function output the following: SIFT: "Not Available"; PolyPhen-2: "Benign"; Align-GVGD: "Not Available". The serine amino acid residue is found in multiple mammalian species, which suggests that this missense change does not adversely affect protein function. In summary, the available evidence is currently insufficient to determine the role of this variant in disease. Therefore, it has been classified as a Variant of Uncertain Significance.

Blueprint Genetics
Classification: Likely benign. Last evaluated: 2023-12-15. Review status: criteria provided, single submitter. Criteria: ACMG Guidelines, 2015. Collection method: clinical testing. Allele origin: germline.